The following is an entry in ClinVar:

NM_001267550.2(TTN):c.50355-3T>C

Genes: TTN (titin; minus strand), TTN-AS1 (TTN antisense RNA 1; plus strand). Cytogenetic location: 2q31.2.
Variant type: single nucleotide variant.
Coding change: c.50355-3T>C on transcript NM_001267550.2 (MANE Select); 3 bases into the intron before coding-DNA position 50355, T replaced by C.
Molecular consequence: intron variant.
Genome position (GRCh38, 1-based): chr2:178,611,957, A>G on the plus strand (T>C on the coding strand, the complement: TTN is on the minus strand). VCF-style: chr2-178611957-A-G. GRCh37 (hg19) VCF-style: chr2-179476684-A-G.
Other names: c.23160-3T>C (NM_003319.4); c.23736-3T>C (NM_133437.4); c.23535-3T>C (NM_133432.3); c.42651-3T>C (NM_133378.4); c.45432-3T>C (NM_001256850.1).
Identifiers: ClinVar variation 894470 (VCV000894470.5), dbSNP rs1172932037, ClinGen allele CA430272622.

ClinVar aggregate classification (germline): Uncertain significance. Review status: criteria provided, multiple submitters, no conflicts (2 of 4 stars). 6 submissions from 2 submitters: Uncertain significance (6). Last evaluated 2024-10-31.

Conditions:
Cardiovascular phenotype. Identifiers: MedGen CN230736.
Early-onset myopathy with fatal cardiomyopathy (CMYO5). Also called: CONGENITAL MYOPATHY 5 WITH CARDIOMYOPATHY; Salih Myopathy. Identifiers: Orphanet 289377, MedGen C2673677, MONDO:0012714, OMIM 611705. Disease mechanism: loss of function.
Myopathy, myofibrillar, 9, with early respiratory failure (MFM9). Also called: EDSTROM MYOPATHY; MYOPATHY, PROXIMAL, WITH EARLY RESPIRATORY MUSCLE INVOLVEMENT; Myopathy, distal, with early respiratory failure, autosomal dominant; Hereditary myopathy with early respiratory failure. Identifiers: Orphanet 178464, Orphanet 34521, MedGen C1863599, MONDO:0011362, OMIM 603689.
Tibial muscular dystrophy (TMD). Also called: Tibial muscular dystrophy, tardive; UDD MYOPATHY; Udd Distal Myopathy – Tibial Muscular Dystrophy. Identifiers: Orphanet 609, MedGen C1838244, MONDO:0010870, OMIM 600334.
Autosomal recessive limb-girdle muscular dystrophy type 2J (LGMDR10). Also called: Limb-girdle muscular dystrophy, type 2J; MUSCULAR DYSTROPHY, LIMB-GIRDLE, AUTOSOMAL RECESSIVE 10. Identifiers: Orphanet 140922, MedGen C1837342, MONDO:0012127, OMIM 608807.
Dilated cardiomyopathy 1G (CMD1G). Identifiers: Orphanet 154, MedGen C1858763, MONDO:0011400, OMIM 604145.

Allele frequency attached by ClinVar (database versions not stated): gnomAD exomes below 0.00001; TOPMed 0.00001.
gnomAD v4.1: 3 of 1,609,906 alleles (0.00019%); highest among the groups gnomAD compares: East Asian, 0.0022%; no homozygotes.

Submissions (6):

Ambry Genetics
Classification: Uncertain significance for Cardiovascular phenotype. Last evaluated: 2024-10-31. Review status: criteria provided, single submitter. Criteria: Ambry Variant Classification Scheme 2023. Collection method: clinical testing. Allele origin: germline.
Comment: The c.23160-3T>C intronic variant results from a T to C substitution 3 nucleotides upstream from coding exon 95 in the TTN gene. This nucleotide position is not well conserved in available vertebrate species. In silico splice site analysis predicts that this alteration will not have any significant effect on splicing. Based on the available evidence, the clinical significance of this variant remains unclear.

Illumina Laboratory Services, Illumina
Classification: Uncertain significance for Myopathy, myofibrillar, 9, with early respiratory failure. Last evaluated: 2018-01-13. Review status: criteria provided, single submitter. Criteria: ICSL Variant Classification Criteria 13 December 2019. Collection method: clinical testing. Allele origin: germline.

Illumina Laboratory Services, Illumina
Classification: Uncertain significance for Dilated cardiomyopathy 1G. Last evaluated: 2018-01-13. Review status: criteria provided, single submitter. Criteria: ICSL Variant Classification Criteria 13 December 2019. Collection method: clinical testing. Allele origin: germline.

Illumina Laboratory Services, Illumina
Classification: Uncertain significance for Autosomal recessive limb-girdle muscular dystrophy type 2J. Last evaluated: 2018-01-13. Review status: criteria provided, single submitter. Criteria: ICSL Variant Classification Criteria 13 December 2019. Collection method: clinical testing. Allele origin: germline.

Illumina Laboratory Services, Illumina
Classification: Uncertain significance for Tibial muscular dystrophy. Last evaluated: 2018-01-13. Review status: criteria provided, single submitter. Criteria: ICSL Variant Classification Criteria 13 December 2019. Collection method: clinical testing. Allele origin: germline.

Illumina Laboratory Services, Illumina
Classification: Uncertain significance for Early-onset myopathy with fatal cardiomyopathy. Last evaluated: 2018-01-13. Review status: criteria provided, single submitter. Criteria: ICSL Variant Classification Criteria 13 December 2019. Collection method: clinical testing. Allele origin: germline.